The following is an entry in ClinVar:

ClinVar aggregate classification (germline): Uncertain significance (1 of 4 stars; one submission).

Allele frequency attached by ClinVar (database versions not stated): TOPMed below 0.00001; gnomAD 0.00001.
gnomAD v4.1: 1 of 1,613,592 alleles (0.000062%); highest among the groups gnomAD compares: Non-Finnish European, 0.000085%; no homozygotes.

Submission:

Labcorp Genetics (formerly Invitae), Labcorp
Classification: Uncertain significance. Last evaluated: 2021-08-03. Review status: criteria provided, single submitter. Criteria: Invitae Variant Classification Sherloc (09022015). Collection method: clinical testing. Allele origin: germline.
Comment: This sequence change replaces asparagine with serine at codon 281 of the IDH3A protein (p.Asn281Ser). The asparagine residue is moderately conserved and there is a small physicochemical difference between asparagine and serine. This variant is not present in population databases (ExAC no frequency). This variant has not been reported in the literature in individuals affected with IDH3A-related conditions. Algorithms developed to predict the effect of missense changes on protein structure and function (SIFT, PolyPhen-2, Align-GVGD) all suggest that this variant is likely to be tolerated. In summary, the available evidence is currently insufficient to determine the role of this variant in disease. Therefore, it has been classified as a Variant of Uncertain Significance.

NM_005530.3(IDH3A):c.842A>G (p.Asn281Ser)

Gene: IDH3A (isocitrate dehydrogenase (NAD(+)) 3 catalytic subunit alpha; plus strand). Cytogenetic location: 15q25.1.
Variant type: single nucleotide variant.
Coding change: c.842A>G on transcript NM_005530.3 (MANE Select); coding-DNA position 842, A replaced by G.
Protein change: p.Asn281Ser; replaces asparagine 281 with serine.
Molecular consequence: missense variant.
Genome position (GRCh38, 1-based): chr15:78,165,054, A>G. VCF-style: chr15-78165054-A-G. GRCh37 (hg19) VCF-style: chr15-78457396-A-G.
Other names: short protein forms N281S.
Identifiers: ClinVar variation 1375596 (VCV001375596.3), dbSNP rs1168814911, ClinGen allele CA393546027.
Genomic context (GRCh38, chr15:78,165,054, plus strand): 5'-ACTTGTGTGCAGGATTGATCGGAGGTCTCGGTGTGACACCAAGTGGCAACATTGGAGCCA[A>G]TGGGGTTGCAATTTTTGAGTCGGTAAGGACCCTGACACCTGAAACAGAACTCAGGTCAGA-3'
Protein context (NP_005521.1, residues 271-291): GVTPSGNIGA[Asn281Ser]GVAIFESVHG